The following is an entry in ClinVar:

NM_001122752.2(SERPINI1):c.854A>G (p.Lys285Arg)

Gene: SERPINI1 (serpin family I member 1; plus strand). Cytogenetic location: 3q26.1.
Variant type: single nucleotide variant.
Coding change: c.854A>G on transcript NM_001122752.2 (MANE Select); coding-DNA position 854, A replaced by G.
Protein change: p.Lys285Arg; replaces lysine 285 with arginine.
Molecular consequence: missense variant.
Genome position (GRCh38, 1-based): chr3:167,794,797, A>G. VCF-style: chr3-167794797-A-G. GRCh37 (hg19) VCF-style: chr3-167512585-A-G.
Other names: c.854A>G, p.Lys285Arg (NM_005025.5); short protein forms K285R.
Identifiers: ClinVar variation 1397005 (VCV001397005.8), dbSNP rs772141992, ClinGen allele CA355157284.

ClinVar aggregate classification (germline): Uncertain significance (1 of 4 stars; one submission).

Conditions:
Familial encephalopathy with neuroserpin inclusion bodies. Also called: ENCEPHALOPATHY, FAMILIAL, WITH COLLINS BODIES. Identifiers: Orphanet 85110, MedGen C1858680, MONDO:0011412, OMIM 604218.

gnomAD v4.1: 1 of 1,613,448 alleles (0.000062%); highest among the groups gnomAD compares: Non-Finnish European, 0.000085%; no homozygotes.

Submission:

Labcorp Genetics (formerly Invitae), Labcorp
Classification: Uncertain significance for Familial encephalopathy with neuroserpin inclusion bodies. Last evaluated: 2023-11-14. Review status: criteria provided, single submitter. Criteria: Invitae Variant Classification Sherloc (09022015). Collection method: clinical testing. Allele origin: germline.
Comment: This sequence change replaces lysine, which is basic and polar, with arginine, which is basic and polar, at codon 285 of the SERPINI1 protein (p.Lys285Arg). This variant is present in population databases (no rsID available, gnomAD 0.007%). This variant has not been reported in the literature in individuals affected with SERPINI1-related conditions. ClinVar contains an entry for this variant (Variation ID: 1397005). Advanced modeling of protein sequence and biophysical properties (such as structural, functional, and spatial information, amino acid conservation, physicochemical variation, residue mobility, and thermodynamic stability) performed at Invitae indicates that this missense variant is not expected to disrupt SERPINI1 protein function with a negative predictive value of 80%. In summary, the available evidence is currently insufficient to determine the role of this variant in disease. Therefore, it has been classified as a Variant of Uncertain Significance.